The following is an entry in ClinVar:

NM_000051.4(ATM):c.5249G>T (p.Trp1750Leu)

Gene: ATM (ATM serine/threonine kinase; plus strand). Cytogenetic location: 11q22.3.
Variant type: single nucleotide variant.
Coding change: c.5249G>T on transcript NM_000051.4 (MANE Select); coding-DNA position 5249, G replaced by T.
Protein change: p.Trp1750Leu; replaces tryptophan 1750 with leucine.
Molecular consequence: missense variant.
Genome position (GRCh38, 1-based): chr11:108,301,719, G>T. VCF-style: chr11-108301719-G-T. GRCh37 (hg19) VCF-style: chr11-108172446-G-T.
Other names: c.5249G>T, p.Trp1750Leu (NM_001351834.2); short protein forms W1750L.
Identifiers: ClinVar variation 951804 (VCV000951804.11), dbSNP rs1060501669, ClinGen allele CA382542465.

ClinVar aggregate classification (germline): Uncertain significance. Review status: criteria provided, multiple submitters, no conflicts (2 of 4 stars). 3 submissions from 3 submitters: Uncertain significance (3). Last evaluated 2025-12-10.

Conditions:
Hereditary cancer-predisposing syndrome. Also called: Hereditary neoplastic syndrome; Tumor predisposition; Neoplastic Syndromes, Hereditary; Hereditary Cancer Syndrome. Identifiers: Orphanet 140162, MedGen C0027672, MeSH D009386, MONDO:0015356.
Ataxia-telangiectasia syndrome (AT). Also called: LOUIS-BAR SYNDROME; Ataxia telangiectasia (A-T); Cerebello-oculocutaneous telangiectasia; Immunodeficiency with ataxia telangiectasia; ATAXIA-TELANGIECTASIA, COMPLEMENTATION GROUP A; ATAXIA-TELANGIECTASIA, FRESNO VARIANT. Identifiers: Orphanet 100, MedGen C0004135, MONDO:0008840, OMIM 208900.

Submissions (3):

Labcorp Genetics (formerly Invitae), Labcorp
Classification: Uncertain significance for Ataxia-telangiectasia syndrome. Last evaluated: 2025-12-10. Review status: criteria provided, single submitter. Criteria: Invitae Variant Classification Sherloc (09022015). Collection method: clinical testing. Allele origin: germline.
Comment: This sequence change replaces tryptophan, which is neutral and slightly polar, with leucine, which is neutral and non-polar, at codon 1750 of the ATM protein (p.Trp1750Leu). This variant is not present in population databases (gnomAD no frequency). This variant has not been reported in the literature in individuals affected with ATM-related conditions. ClinVar contains an entry for this variant (Variation ID: 951804). Invitae Evidence Modeling of protein sequence and biophysical properties (such as structural, functional, and spatial information, amino acid conservation, physicochemical variation, residue mobility, and thermodynamic stability) has been performed for this missense variant. However, the output from this modeling did not meet the statistical confidence thresholds required to predict the impact of this variant on ATM protein function. In summary, the available evidence is currently insufficient to determine the role of this variant in disease. Therefore, it has been classified as a Variant of Uncertain Significance.

GeneDx
Classification: Uncertain significance. Last evaluated: 2024-07-05. Review status: criteria provided, single submitter. Criteria: GeneDx Variant Classification Process June 2021. Collection method: clinical testing. Allele origin: germline. Affected: yes.
Comment: Not observed at significant frequency in large population cohorts (gnomAD); In silico analysis supports that this missense variant has a deleterious effect on protein structure/function; Has not been previously published as pathogenic or benign to our knowledge

Ambry Genetics
Classification: Uncertain significance for Hereditary cancer-predisposing syndrome. Last evaluated: 2023-06-14. Review status: criteria provided, single submitter. Criteria: Ambry Variant Classification Scheme 2023. Collection method: clinical testing. Allele origin: germline.
Comment: The p.W1750L variant (also known as c.5249G>T), located in coding exon 34 of the ATM gene, results from a G to T substitution at nucleotide position 5249. The tryptophan at codon 1750 is replaced by leucine, an amino acid with similar properties. This amino acid position is highly conserved in available vertebrate species. In addition, this alteration is predicted to be deleterious by in silico analysis. Since supporting evidence is limited at this time, the clinical significance of this alteration remains unclear.